The following is an entry in ClinVar:

ClinVar aggregate classification (germline): Likely benign. Review status: criteria provided, multiple submitters, no conflicts (2 of 4 stars). 3 submissions from 3 submitters: Likely benign (3). Last evaluated 2025-02-12.

Conditions:
Inborn genetic diseases. Identifiers: MedGen C0950123, MeSH D030342.
GLUT1 deficiency syndrome 1, autosomal recessive. Identifiers: MedGen C3149117.

Allele frequency attached by ClinVar (database versions not stated): ExAC 0.00002; TOPMed 0.00002; gnomAD 0.00004.
gnomAD v4.1: 10 of 1,614,056 alleles (0.00062%); highest among the groups gnomAD compares: African/African-American, 0.013%; no homozygotes.

Submissions (3):

Labcorp Genetics (formerly Invitae), Labcorp
Classification: Likely benign for GLUT1 deficiency syndrome 1, autosomal recessive. Last evaluated: 2025-02-12. Review status: criteria provided, single submitter. Criteria: Invitae Variant Classification Sherloc (09022015). Collection method: clinical testing. Allele origin: germline.

Women's Health and Genetics/Laboratory Corporation of America, LabCorp
Classification: Likely benign. Last evaluated: 2023-11-07. Review status: criteria provided, single submitter. Criteria: LabCorp Variant Classification Summary - May 2015. Collection method: clinical testing. Allele origin: germline.
Comment: Variant summary: SLC2A1 c.183C>A alters a non-conserved nucleotide resulting in a synonymous change. Consensus agreement among computation tools predict no significant impact on normal splicing. However, these predictions have yet to be confirmed by functional studies. The variant allele was found at a frequency of 8e-06 in 251406 control chromosomes (gnomAD). The available data on variant occurrences in the general population are insufficient to allow any conclusion about variant significance. To our knowledge, no occurrence of c.183C>A in individuals affected with GLUT1 Deficiency Syndrome 1 and no experimental evidence demonstrating its impact on protein function have been reported. One submitter has cited clinical-significance assessments for this variant to ClinVar after 2014 and has classified the variant as likely benign. Based on the evidence outlined above, the variant was classified as likely benign.

Ambry Genetics
Classification: Likely benign for Inborn genetic diseases. Last evaluated: 2020-04-07. Review status: criteria provided, single submitter. Criteria: Ambry Variant Classification Scheme 2023. Collection method: clinical testing. Allele origin: germline.

NM_006516.4(SLC2A1):c.183C>A (p.Leu61=)

Gene: SLC2A1 (solute carrier family 2 member 1; minus strand). Cytogenetic location: 1p34.2.
Variant type: single nucleotide variant.
Coding change: c.183C>A on transcript NM_006516.4 (MANE Select); coding-DNA position 183, C replaced by A.
Protein change: p.Leu61=; no amino-acid change (leucine 61 retained).
Molecular consequence: synonymous variant.
Genome position (GRCh38, 1-based): chr1:42,931,138, G>T on the plus strand (C>A on the coding strand, the complement: SLC2A1 is on the minus strand). VCF-style: chr1-42931138-G-T. GRCh37 (hg19) VCF-style: chr1-43396809-G-T.
Identifiers: ClinVar variation 1781108 (VCV001781108.6), dbSNP rs761128657, ClinGen allele CA803598.